The following is an entry in ClinVar:

NM_000343.4(SLC5A1):c.164T>C (p.Val55Ala)

Gene: SLC5A1 (solute carrier family 5 member 1; plus strand). Cytogenetic location: 22q12.3.
Variant type: single nucleotide variant.
Coding change: c.164T>C on transcript NM_000343.4 (MANE Select); coding-DNA position 164, T replaced by C.
Protein change: p.Val55Ala; replaces valine 55 with alanine.
Molecular consequence: missense variant.
Genome position (GRCh38, 1-based): chr22:32,049,971, T>C. VCF-style: chr22-32049971-T-C. GRCh37 (hg19) VCF-style: chr22-32445958-T-C.
Other names: short protein forms V55A.
Identifiers: ClinVar variation 1001392 (VCV001001392.8), dbSNP rs2093943146, ClinGen allele CA411309189.

ClinVar aggregate classification (germline): Uncertain significance (1 of 4 stars; one submission).

Conditions:
Congenital glucose-galactose malabsorption (GGM). Also called: DIARRHEA 16; MONOSACCHARIDE MALABSORPTION. Identifiers: Orphanet 35710, MedGen C0268186, MONDO:0011731, OMIM 606824.

Submission:

Labcorp Genetics (formerly Invitae), Labcorp
Classification: Uncertain significance for Congenital glucose-galactose malabsorption. Last evaluated: 2020-10-20. Review status: criteria provided, single submitter. Criteria: Invitae Variant Classification Sherloc (09022015). Collection method: clinical testing. Allele origin: germline.
Comment: In summary, the available evidence is currently insufficient to determine the role of this variant in disease. Therefore, it has been classified as a Variant of Uncertain Significance. Algorithms developed to predict the effect of missense changes on protein structure and function are either unavailable or do not agree on the potential impact of this missense change (SIFT: "Deleterious"; PolyPhen-2: "Benign"; Align-GVGD: "Class C55"). This variant has not been reported in the literature in individuals with SLC5A1-related conditions. This variant is not present in population databases (ExAC no frequency). This sequence change replaces valine with alanine at codon 55 of the SLC5A1 protein (p.Val55Ala). The valine residue is highly conserved and there is a small physicochemical difference between valine and alanine.